The following is an entry in ClinVar:

ClinVar aggregate classification (germline): Uncertain significance (1 of 4 stars; one submission).

Conditions:
Tumor predisposition syndrome 3 (TPDS3). Also called: Melanoma, cutaneous malignant, susceptibility to, 10; Glioma susceptibility 9; LONG TELOMERE SYNDROME, POT1-RELATED; POT1 Tumor Predisposition. Identifiers: Orphanet 618, MedGen C4014476, MONDO:0014368, OMIM 615848.

Allele frequency attached by ClinVar (database versions not stated): gnomAD exomes below 0.00001.
gnomAD v4.1: 1 of 1,577,224 alleles (0.000063%); highest among the groups gnomAD compares: Non-Finnish European, 0.000087%; no homozygotes.

Submission:

Labcorp Genetics (formerly Invitae), Labcorp
Classification: Uncertain significance for Tumor predisposition syndrome 3. Last evaluated: 2022-02-19. Review status: criteria provided, single submitter. Criteria: Invitae Variant Classification Sherloc (09022015). Collection method: clinical testing. Allele origin: germline.
Comment: In summary, the available evidence is currently insufficient to determine the role of this variant in disease. Therefore, it has been classified as a Variant of Uncertain Significance. Algorithms developed to predict the effect of sequence changes on RNA splicing suggest that this variant may disrupt the consensus splice site. This variant has not been reported in the literature in individuals affected with POT1-related conditions. This variant is not present in population databases (gnomAD no frequency). This sequence change falls in intron 11 of the POT1 gene. It does not directly change the encoded amino acid sequence of the POT1 protein.

NM_015450.3(POT1):c.950-17C>G

Gene: POT1 (protection of telomeres 1; minus strand). Cytogenetic location: 7q31.33.
Variant type: single nucleotide variant.
Coding change: c.950-17C>G on transcript NM_015450.3 (MANE Select); 17 bases into the intron before coding-DNA position 950, C replaced by G.
Molecular consequence: intron variant.
Genome position (GRCh38, 1-based): chr7:124,847,015, G>C on the plus strand (C>G on the coding strand, the complement: POT1 is on the minus strand). VCF-style: chr7-124847015-G-C. GRCh37 (hg19) VCF-style: chr7-124487069-G-C.
Other names: c.557-17C>G (NM_001042594.2).
Identifiers: ClinVar variation 2099316 (VCV002099316.4), dbSNP rs1243673564, ClinGen allele CA2580076424.
Genomic context (GRCh38, chr7:124,847,015, plus strand): 5'-CTGTTGACATCTTTCTACCTCGTATAATGATACTGATCCAGAGCCTATAAAAAGGAAAAG[G>C]CAAAAAAATTAAGTCCATTACAACTTCATTGTAGAACTGAAAACAATGGAGCGTTGCTGA-3'